The following is an entry in ClinVar:

NM_000432.4(MYL2):c.316_319del (p.Phe106fs)

Gene: MYL2 (myosin light chain 2; minus strand). Cytogenetic location: 12q24.11.
Variant type: Deletion.
Coding change: c.316_319del on transcript NM_000432.4 (MANE Select); coding-DNA positions 316 to 319, 4 bases deleted (TTTG; older notation c.316_319delTTTG).
Protein change: p.Phe106fs; shifts the reading frame from phenylalanine 106.
Molecular consequence: frameshift variant.
Genome position (GRCh38, 1-based): chr12:110,913,280-110,913,283, CAAA deleted on the plus strand (TTTG on the coding strand, the reverse complement: MYL2 is on the minus strand); deleting any 4 consecutive bases within chr12:110,913,280-110,913,285 gives the same sequence; the c. name uses the placement nearest the transcript's 3' end. VCF-style (leftmost placement, unchanged base first): chr12-110913279-TCAAA-T. GRCh37 (hg19) VCF-style: chr12-111351083-TCAAA-T.
Other names: short protein forms F106fs.
Identifiers: ClinVar variation 1435495 (VCV001435495.8), dbSNP rs2071666714, ClinGen allele CA913188509.

ClinVar aggregate classification (germline): Uncertain significance. Review status: criteria provided, multiple submitters, no conflicts (2 of 4 stars). 2 submissions from 2 submitters: Uncertain significance (2). Last evaluated 2025-08-12.

Conditions:
Hypertrophic cardiomyopathy 10. Also called: CARDIOMYOPATHY, HYPERTROPHIC, MID-LEFT VENTRICULAR CHAMBER TYPE, 2; MYL2-Related Familial Hypertrophic Cardiomyopathy. Identifiers: MedGen C1834460, MONDO:0012112, OMIM 608758.
Cardiomyopathy (CMYO). Also called: Cardiomyopathies. Identifiers: Orphanet 167848, MedGen C0878544, MONDO:0004994, HP:0001638. Inheritance: Various modes of inheritance.

Submissions (2):

Labcorp Genetics (formerly Invitae), Labcorp
Classification: Uncertain significance for Hypertrophic cardiomyopathy 10. Last evaluated: 2025-08-12. Review status: criteria provided, single submitter. Criteria: Invitae Variant Classification Sherloc (09022015). Collection method: clinical testing. Allele origin: germline.
Comment: This sequence change creates a premature translational stop signal (p.Phe106Thrfs*8) in the MYL2 gene. It is expected to result in an absent or disrupted protein product. However, the current clinical and genetic evidence is not sufficient to establish whether loss-of-function variants in MYL2 cause disease. This variant is not present in population databases (gnomAD no frequency). This variant has not been reported in the literature in individuals affected with MYL2-related conditions. ClinVar contains an entry for this variant (Variation ID: 1435495). In summary, the available evidence is currently insufficient to determine the role of this variant in disease. Therefore, it has been classified as a Variant of Uncertain Significance.

Color Diagnostics, LLC DBA Color Health
Classification: Uncertain significance for Cardiomyopathy. Last evaluated: 2023-04-19. Review status: criteria provided, single submitter. Criteria: ACMG Guidelines, 2015. Collection method: clinical testing. Allele origin: germline.
Comment: This variant deletes 4 nucleotides in exon 5 of the MYL2 gene, creating a frameshift and premature translation stop signal. This variant is expected to result in an absent or non-functional protein product. To our knowledge, this variant has not been reported in individuals affected with MYL2-related disorders in the literature. Clinical relevance of loss-of-function MYL2 truncation variants in autosomal dominant cardiovascular disorders is not clearly established. This variant has not been identified in the general population by the Genome Aggregation Database (gnomAD). The available evidence is insufficient to determine the role of this variant in autosomal dominant cardiovascular disease conclusively. Therefore, this variant is classified as a Variant of Uncertain Significance.